The following is an entry in ClinVar:

NM_006267.5(RANBP2):c.2415A>C (p.Glu805Asp)

Gene: RANBP2 (RAN binding protein 2; plus strand). Cytogenetic location: 2q13.
Variant type: single nucleotide variant.
Coding change: c.2415A>C on transcript NM_006267.5 (MANE Select); coding-DNA position 2415, A replaced by C.
Protein change: p.Glu805Asp; replaces glutamic acid 805 with aspartic acid.
Molecular consequence: missense variant.
Genome position (GRCh38, 1-based): chr2:108,755,208, A>C. VCF-style: chr2-108755208-A-C. GRCh37 (hg19) VCF-style: chr2-109371664-A-C.
Other names: short protein forms E805D.
Identifiers: ClinVar variation 1683638 (VCV001683638.2), dbSNP rs1022223760, ClinGen allele CA348056163.

ClinVar aggregate classification (germline): Uncertain significance (1 of 4 stars; one submission).

Conditions:
Hyperkalemic periodic paralysis. Also called: Familial hyperkalemic periodic paralysis; Gamstorp disease. Identifiers: Orphanet 682, MedGen C0238357, MONDO:0008224, OMIM 170500, HP:0007215.
Congenital myasthenic syndrome 16. Identifiers: Orphanet 590, MedGen C3280112, MONDO:0013620, OMIM 614198.
Hypokalemic periodic paralysis, type 2 (HOKPP2). Identifiers: Orphanet 681, MedGen C2750061, MONDO:0013234, OMIM 613345.
Potassium-aggravated myotonia. Also called: Myotonia congenita, atypical, acetazolamide-responsive; MYOTONIA CONGENITA, ACETAZOLAMIDE-RESPONSIVE; MYOTONIA CONGENITA, ATYPICAL; SODIUM CHANNEL MUSCLE DISEASE. Identifiers: Orphanet 612, Orphanet 99734, Orphanet 99735, Orphanet 99736, MedGen C2931826, MONDO:0018959, OMIM 608390.
Paramyotonia congenita of Von Eulenburg. Also called: PARALYSIS PERIODICA PARAMYOTONICA; Paramyotonia Congenita; Eulenburg disease; Myotonia congenita intermittens; Von Eulenburg paramyotonia congenita. Identifiers: Orphanet 684, MedGen C0221055, MONDO:0008195, OMIM 168300. Disease mechanism: loss of function.

Submission:

Laboratorio de Genetica e Diagnostico Molecular, Hospital Israelita Albert Einstein
Classification: Uncertain significance for Paramyotonia congenita of Von Eulenburg; Hyperkalemic periodic paralysis; Potassium-aggravated myotonia; Hypokalemic periodic paralysis, type 2; Congenital myasthenic syndrome 16. Last evaluated: 2022-02-14. Review status: criteria provided, single submitter. Criteria: ACMG Guidelines, 2015. Collection method: clinical testing. Allele origin: germline. Affected: yes.
Comment: ACMG classification criteria: PM2 moderate, BP4 supporting